The following is an entry in ClinVar:

ClinVar aggregate classification (germline): Uncertain significance (1 of 4 stars; one submission).

Allele frequency attached by ClinVar (database versions not stated): gnomAD exomes below 0.00001.
gnomAD v4.1: 3 of 1,614,224 alleles (0.00019%); highest among the groups gnomAD compares: Non-Finnish European, 0.00025%; no homozygotes.

Submission:

Labcorp Genetics (formerly Invitae), Labcorp
Classification: Uncertain significance. Last evaluated: 2020-11-10. Review status: criteria provided, single submitter. Criteria: Invitae Variant Classification Sherloc (09022015). Collection method: clinical testing. Allele origin: germline.
Comment: In summary, the available evidence is currently insufficient to determine the role of this variant in disease. Therefore, it has been classified as a Variant of Uncertain Significance. Algorithms developed to predict the effect of missense changes on protein structure and function output the following: SIFT: "Tolerated"; PolyPhen-2: "Benign"; Align-GVGD: "Class C0". The serine amino acid residue is found in multiple mammalian species, suggesting that this missense change does not adversely affect protein function. These predictions have not been confirmed by published functional studies and their clinical significance is uncertain. This variant has not been reported in the literature in individuals with AHR-related conditions. This variant is not present in population databases (ExAC no frequency). This sequence change replaces asparagine with serine at codon 499 of the AHR protein (p.Asn499Ser). The asparagine residue is weakly conserved and there is a small physicochemical difference between asparagine and serine.

NM_001621.5(AHR):c.1496A>G (p.Asn499Ser)

Gene: AHR (aryl hydrocarbon receptor; plus strand). Cytogenetic location: 7p21.1.
Variant type: single nucleotide variant.
Coding change: c.1496A>G on transcript NM_001621.5 (MANE Select); coding-DNA position 1496, A replaced by G.
Protein change: p.Asn499Ser; replaces asparagine 499 with serine.
Molecular consequence: missense variant.
Genome position (GRCh38, 1-based): chr7:17,339,321, A>G. VCF-style: chr7-17339321-A-G. GRCh37 (hg19) VCF-style: chr7-17378945-A-G.
Other names: short protein forms N499S.
Identifiers: ClinVar variation 1482694 (VCV001482694.6), dbSNP rs2115369740, ClinGen allele CA366894286.